The following is an entry in ClinVar:

ClinVar aggregate classification (germline): Uncertain significance. Review status: criteria provided, multiple submitters, no conflicts (2 of 4 stars). 2 submissions from 2 submitters: Uncertain significance (2). Last evaluated 2023-04-18.

Conditions:
Familial cancer of breast. Also called: Hereditary breast cancer; BREAST CANCER, FAMILIAL; hereditary breast carcinoma. Identifiers: Orphanet 227535, MedGen C0346153, MONDO:0016419, OMIM 114480. Disease mechanism: loss of function.
Fanconi anemia complementation group J. Also called: BRIP1-Related Fanconi Anemia. Identifiers: Orphanet 84, MedGen C1836860, MONDO:0012187, OMIM 609054.
Hereditary cancer-predisposing syndrome. Also called: Hereditary neoplastic syndrome; Tumor predisposition; Neoplastic Syndromes, Hereditary; Hereditary Cancer Syndrome. Identifiers: Orphanet 140162, MedGen C0027672, MeSH D009386, MONDO:0015356.

Submissions (2):

Ambry Genetics
Classification: Uncertain significance for Hereditary cancer-predisposing syndrome. Last evaluated: 2023-04-18. Review status: criteria provided, single submitter. Criteria: Ambry Variant Classification Scheme 2023. Collection method: clinical testing. Allele origin: germline.
Comment: The p.P1092T variant (also known as c.3274C>A), located in coding exon 19 of the BRIP1 gene, results from a C to A substitution at nucleotide position 3274. The proline at codon 1092 is replaced by threonine, an amino acid with highly similar properties. This amino acid position is conserved. In addition, this alteration is predicted to be tolerated by in silico analysis. Since supporting evidence is limited at this time, the clinical significance of this alteration remains unclear.

Labcorp Genetics (formerly Invitae), Labcorp
Classification: Uncertain significance for Familial cancer of breast; Fanconi anemia complementation group J. Last evaluated: 2020-07-28. Review status: criteria provided, single submitter. Criteria: Invitae Variant Classification Sherloc (09022015). Collection method: clinical testing. Allele origin: germline.
Comment: This variant is not present in population databases (ExAC no frequency). This variant has not been reported in the literature in individuals with BRIP1-related conditions. Algorithms developed to predict the effect of missense changes on protein structure and function (SIFT, PolyPhen-2, Align-GVGD) all suggest that this variant is likely to be tolerated, but these predictions have not been confirmed by published functional studies and their clinical significance is uncertain. This sequence change replaces proline with threonine at codon 1092 of the BRIP1 protein (p.Pro1092Thr). The proline residue is weakly conserved and there is a small physicochemical difference between proline and threonine. In summary, the available evidence is currently insufficient to determine the role of this variant in disease. Therefore, it has been classified as a Variant of Uncertain Significance.

NM_032043.3(BRIP1):c.3274C>A (p.Pro1092Thr)

Gene: BRIP1 (BRCA1 interacting DNA helicase 1; minus strand). Cytogenetic location: 17q23.2.
Variant type: single nucleotide variant.
Coding change: c.3274C>A on transcript NM_032043.3 (MANE Select); coding-DNA position 3274, C replaced by A.
Protein change: p.Pro1092Thr; replaces proline 1092 with threonine.
Molecular consequence: missense variant.
Genome position (GRCh38, 1-based): chr17:61,683,772, G>T on the plus strand (C>A on the coding strand, the complement: BRIP1 is on the minus strand). VCF-style: chr17-61683772-G-T. GRCh37 (hg19) VCF-style: chr17-59761133-G-T.
Other names: short protein forms P1092T.
Identifiers: ClinVar variation 964213 (VCV000964213.12), dbSNP rs768065626, ClinGen allele CA400479079.